The following is an entry in ClinVar:

NM_001458.5(FLNC):c.5687T>G (p.Val1896Gly)

Genes: FLNC (filamin C; plus strand), FLNC-AS1 (FLNC antisense RNA 1; minus strand). Cytogenetic location: 7q32.1.
Variant type: single nucleotide variant.
Coding change: c.5687T>G on transcript NM_001458.5 (MANE Select); coding-DNA position 5687, T replaced by G.
Protein change: p.Val1896Gly; replaces valine 1896 with glycine.
Molecular consequence: missense variant. On other transcripts: non-coding transcript variant (1).
Genome position (GRCh38, 1-based): chr7:128,851,473, T>G. VCF-style: chr7-128851473-T-G. GRCh37 (hg19) VCF-style: chr7-128491527-T-G.
Other names: c.5588T>G, p.Val1863Gly (NM_001127487.2); short protein forms V1896G, V1863G.
Identifiers: ClinVar variation 2942621 (VCV002942621.3), dbSNP rs2536656273, ClinGen allele CA369208007.

ClinVar aggregate classification (germline): Uncertain significance (1 of 4 stars; one submission).

Conditions:
Hypertrophic cardiomyopathy 26. Also called: Cardiomyopathy, familial hypertrophic, 26. Identifiers: Orphanet 75249, MedGen C4310749, MONDO:0014883, OMIM 617047.
Myofibrillar myopathy 5. Also called: Filaminopathy (type); FILAMINOPATHY, AUTOSOMAL DOMINANT. Identifiers: Orphanet 171445, MedGen C1836050, MONDO:0012289, OMIM 609524.
Distal myopathy with posterior leg and anterior hand involvement. Also called: WILLIAMS DISTAL MYOPATHY. Identifiers: Orphanet 63273, MedGen C3279722, MONDO:0013550, OMIM 614065.

Submission:

Labcorp Genetics (formerly Invitae), Labcorp
Classification: Uncertain significance for Distal myopathy with posterior leg and anterior hand involvement; Myofibrillar myopathy 5; Hypertrophic cardiomyopathy 26. Last evaluated: 2022-12-23. Review status: criteria provided, single submitter. Criteria: Invitae Variant Classification Sherloc (09022015). Collection method: clinical testing. Allele origin: germline.
Comment: This sequence change replaces valine, which is neutral and non-polar, with glycine, which is neutral and non-polar, at codon 1896 of the FLNC protein (p.Val1896Gly). This variant is not present in population databases (gnomAD no frequency). This variant has not been reported in the literature in individuals affected with FLNC-related conditions. Algorithms developed to predict the effect of missense changes on protein structure and function (SIFT, PolyPhen-2, Align-GVGD) all suggest that this variant is likely to be disruptive. In summary, the available evidence is currently insufficient to determine the role of this variant in disease. Therefore, it has been classified as a Variant of Uncertain Significance.